The following is an entry in ClinVar:

ClinVar aggregate classification (germline): Pathogenic. Review status: criteria provided, multiple submitters, no conflicts (2 of 4 stars). 2 submissions from 2 submitters: Pathogenic (2). Last evaluated 2026-05-28.

Conditions:
Hereditary nonpolyposis colorectal neoplasms. Identifiers: MedGen C0009405, MeSH D003123.
Hereditary cancer-predisposing syndrome. Also called: Tumor predisposition; Hereditary neoplastic syndrome; Neoplastic Syndromes, Hereditary; Hereditary Cancer Syndrome. Identifiers: Orphanet 140162, MedGen C0027672, MeSH D009386, MONDO:0015356.

Submissions (2):

Ambry Genetics
Classification: Pathogenic for Hereditary cancer-predisposing syndrome. Last evaluated: 2026-05-28. Review status: criteria provided, single submitter. Criteria: Ambry Variant Classification Scheme 2023. Collection method: clinical testing. Allele origin: germline.
Comment: The c.3377_3378delAA pathogenic mutation, located in coding exon 5 of the MSH6 gene, results from a deletion of two nucleotides at nucleotide positions 3377 to 3378, causing a translational frameshift with a predicted alternate stop codon (p.K1126Sfs*37). This variant is considered to be rare based on population cohorts in the Genome Aggregation Database (gnomAD). This alteration is expected to result in loss of function by premature protein truncation or nonsense-mediated mRNA decay. As such, this alteration is interpreted as a disease-causing mutation.

Labcorp Genetics (formerly Invitae), Labcorp
Classification: Pathogenic for Hereditary nonpolyposis colorectal neoplasms. Last evaluated: 2025-10-09. Review status: criteria provided, single submitter. Criteria: Invitae Variant Classification Sherloc (09022015). Collection method: clinical testing. Allele origin: germline.
Comment: This sequence change creates a premature translational stop signal (p.Lys1126Serfs*37) in the MSH6 gene. It is expected to result in an absent or disrupted protein product. Loss-of-function variants in MSH6 are known to be pathogenic (PMID: 18269114, 24362816). This variant is not present in population databases (gnomAD no frequency). This variant has not been reported in the literature in individuals affected with MSH6-related conditions. ClinVar contains an entry for this variant (Variation ID: 483825). For these reasons, this variant has been classified as Pathogenic.

Literature cited by the submitters: PubMed 18269114 (cited by Labcorp Genetics (formerly Invitae), Labcorp); PubMed 24362816 (cited by Labcorp Genetics (formerly Invitae), Labcorp).

NM_000179.3(MSH6):c.3377_3378del (p.Lys1126fs)

Gene: MSH6 (mutS homolog 6; plus strand). Cytogenetic location: 2p16.3.
Variant type: Deletion.
Coding change: c.3377_3378del on transcript NM_000179.3 (MANE Select); coding-DNA positions 3377 to 3378, 2 bases deleted (AA; older notation c.3377_3378delAA).
Protein change: p.Lys1126fs; shifts the reading frame from lysine 1126.
Molecular consequence: frameshift variant.
Genome position (GRCh38, 1-based): chr2:47,803,624-47,803,625, AA deleted; deleting any 2 consecutive bases within chr2:47,803,623-47,803,625 gives the same sequence; the c. name uses the placement nearest the transcript's 3' end. VCF-style (leftmost placement, unchanged base first): chr2-47803622-CAA-C. GRCh37 (hg19) VCF-style: chr2-48030761-CAA-C.
Other names: c.2987_2988del, p.Lys996fs (NM_001281492.2); c.2471_2472del, p.Lys824fs (NM_001281493.2, NM_001281494.2); c.3377_3378delAA (NM_000179.2); short protein forms K1126fs, K996fs, K824fs.
Identifiers: ClinVar variation 483825 (VCV000483825.11), dbSNP rs1553331665, ClinGen allele CA658655697.